The following is an entry in ClinVar:

ClinVar aggregate classification (germline): Uncertain significance (1 of 4 stars; one submission).

Conditions:
Fibrous dysplasia of jaw (CRBM). Also called: Cherubism. Identifiers: Orphanet 184, MedGen C0008029, MONDO:0007315, OMIM 118400.

gnomAD v4.1: 1 of 1,612,876 alleles (0.000062%); highest among the groups gnomAD compares: Non-Finnish European, 0.000085%; no homozygotes.

Submission:

Labcorp Genetics (formerly Invitae), Labcorp
Classification: Uncertain significance for Fibrous dysplasia of jaw. Last evaluated: 2025-12-31. Review status: criteria provided, single submitter. Criteria: Invitae Variant Classification Sherloc (09022015). Collection method: clinical testing. Allele origin: germline.
Comment: This sequence change replaces proline, which is neutral and non-polar, with serine, which is neutral and polar, at codon 454 of the SH3BP2 protein (p.Pro454Ser). This variant is not present in population databases (gnomAD no frequency). This variant has not been reported in the literature in individuals affected with SH3BP2-related conditions. Invitae Evidence Modeling of protein sequence and biophysical properties (such as structural, functional, and spatial information, amino acid conservation, physicochemical variation, residue mobility, and thermodynamic stability) indicates that this missense variant is not expected to disrupt SH3BP2 protein function with a negative predictive value of 95%. In summary, the available evidence is currently insufficient to determine the role of this variant in disease. Therefore, it has been classified as a Variant of Uncertain Significance.

NM_001122681.2(SH3BP2):c.1360C>T (p.Pro454Ser)

Gene: SH3BP2 (SH3 domain binding protein 2; plus strand). Cytogenetic location: 4p16.3.
Variant type: single nucleotide variant.
Coding change: c.1360C>T on transcript NM_001122681.2 (MANE Select); coding-DNA position 1360, C replaced by T.
Protein change: p.Pro454Ser; replaces proline 454 with serine.
Molecular consequence: missense variant.
Genome position (GRCh38, 1-based): chr4:2,831,932, C>T. VCF-style: chr4-2831932-C-T. GRCh37 (hg19) VCF-style: chr4-2833659-C-T.
Other names: c.1444C>T, p.Pro482Ser (NM_001145855.2); c.1531C>T, p.Pro511Ser (NM_001145856.2); c.1360C>T, p.Pro454Ser (NM_003023.4); short protein forms P454S, P482S, P511S.
Identifiers: ClinVar variation 4803638 (VCV004803638.1).